The following is an entry in ClinVar:

ClinVar aggregate classification (germline): Uncertain significance. Review status: criteria provided, multiple submitters, no conflicts (2 of 4 stars). 2 submissions from 2 submitters: Uncertain significance (2). Last evaluated 2022-03-05.

Conditions:
Welander distal myopathy (WDM). Also called: Gower's muscular dystrophy; MUSCULAR DYSTROPHY, DISTAL, LATE-ONSET, AUTOSOMAL DOMINANT; Welander distal myopathy, Swedish type; Distal myopathy, Swedish type. Identifiers: Orphanet 603, MedGen C0221054, MONDO:0011466, OMIM 604454.

Allele frequency attached by ClinVar (database versions not stated): gnomAD 0.00001; gnomAD exomes 0.00001; TOPMed 0.00001; 1000 Genomes Project 30x 0.00016.
gnomAD v4.1: 12 of 1,592,930 alleles (0.00075%); highest among the groups gnomAD compares: Non-Finnish European, 0.001%; no homozygotes.

Submissions (2):

Labcorp Genetics (formerly Invitae), Labcorp
Classification: Uncertain significance for Welander distal myopathy. Last evaluated: 2022-03-05. Review status: criteria provided, single submitter. Criteria: Invitae Variant Classification Sherloc (09022015). Collection method: clinical testing. Allele origin: germline.
Comment: Algorithms developed to predict the effect of missense changes on protein structure and function (SIFT, PolyPhen-2, Align-GVGD) all suggest that this variant is likely to be tolerated. In summary, the available evidence is currently insufficient to determine the role of this variant in disease. Therefore, it has been classified as a Variant of Uncertain Significance. This variant has not been reported in the literature in individuals affected with TIA1-related conditions. This sequence change replaces arginine, which is basic and polar, with histidine, which is basic and polar, at codon 231 of the TIA1 protein (p.Arg231His). This variant is present in population databases (no rsID available, gnomAD 0.002%).

Revvity Omics, Revvity
Classification: Uncertain significance. Last evaluated: 2020-10-15. Review status: criteria provided, single submitter. Criteria: ACMG Guidelines, 2015. Collection method: clinical testing. Allele origin: germline.

NM_022173.4(TIA1):c.692G>A (p.Arg231His)

Gene: TIA1 (TIA1 cytotoxic granule associated RNA binding protein; minus strand). Cytogenetic location: 2p13.3.
Variant type: single nucleotide variant.
Coding change: c.692G>A on transcript NM_022173.4 (MANE Select); coding-DNA position 692, G replaced by A.
Protein change: p.Arg231His; replaces arginine 231 with histidine.
Molecular consequence: missense variant. On other transcripts: non-coding transcript variant (17).
Genome position (GRCh38, 1-based): chr2:70,216,280, C>T on the plus strand (G>A on the coding strand, the complement: TIA1 is on the minus strand). VCF-style: chr2-70216280-C-T. GRCh37 (hg19) VCF-style: chr2-70443412-C-T.
Other names: c.692G>A, p.Arg231His (NM_001351508.2, NM_001351516.2); c.665G>A, p.Arg222His (NM_001351509.2); c.659G>A, p.Arg220His (NM_001351510.2, NM_022037.4); c.581G>A, p.Arg194His (NM_001351511.1); c.554G>A, p.Arg185His (NM_001351512.1); c.548G>A, p.Arg183His (NM_001351513.1); c.464G>A, p.Arg155His (NM_001351514.2); c.389G>A, p.Arg130His (NM_001351515.2); and 2 more; short protein forms R155H, R185H, R220H, R194H, R222H, R231H, R91H, R130H.
Identifiers: ClinVar variation 1447506 (VCV001447506.8), dbSNP rs1379346485, ClinGen allele CA347152349.
Genomic context (GRCh38, chr2:70,216,280, plus strand): 5'-TATCCTTTATCTGGAAAGACTCGAATTTCCATTATTTGTCCAAATGGTGAAAAAGTCTGA[C>T]GCATTAGTTGTTCTGTTAGACAAAAAACCAAAACAAACAAATCACACTAAGTTATATAAA-3'
Protein context (NP_071505.2, residues 221-241): VTSGLTEQLM[Arg231His]QTFSPFGQIM